The following is an entry in ClinVar:

NM_052947.4(ALPK2):c.4323G>A (p.Met1441Ile)

Genes: ALPK2 (alpha kinase 2; minus strand), LOC126862764 (BRD4-independent group 4 enhancer GRCh37_chr18:56202574-56203773; plus strand). Cytogenetic location: 18q21.31.
Variant type: single nucleotide variant.
Coding change: c.4323G>A on transcript NM_052947.4 (MANE Select); coding-DNA position 4323, G replaced by A.
Protein change: p.Met1441Ile; replaces methionine 1441 with isoleucine.
Molecular consequence: missense variant.
Genome position (GRCh38, 1-based): chr18:58,535,864, C>T on the plus strand (G>A on the coding strand, the complement: ALPK2 is on the minus strand). VCF-style: chr18-58535864-C-T. GRCh37 (hg19) VCF-style: chr18-56203096-C-T.
Other names: short protein forms M1441I.
Identifiers: ClinVar variation 1739717 (VCV001739717.3), dbSNP rs767137063, ClinGen allele CA402563181.

ClinVar aggregate classification (germline): Uncertain significance (1 of 4 stars; one submission).

Submission:

Ambry Genetics
Classification: Uncertain significance. Last evaluated: 2022-04-19. Review status: criteria provided, single submitter. Criteria: Ambry Variant Classification Scheme 2023. Collection method: clinical testing. Allele origin: germline.
Comment: The p.M1441I variant (also known as c.4323G>A), located in coding exon 4 of the ALPK2 gene, results from a G to A substitution at nucleotide position 4323. The methionine at codon 1441 is replaced by isoleucine, an amino acid with highly similar properties. This amino acid position is conserved. In addition, this alteration is predicted to be tolerated by in silico analysis. Since supporting evidence is limited at this time, the clinical significance of this alteration remains unclear.